The following is an entry in ClinVar:

NM_003690.5(PRKRA):c.*31G>A

Genes: CHROMR (cholesterol induced regulator of metabolism RNA; plus strand), PRKRA (protein activator of interferon induced protein kinase EIF2AK2; minus strand). Cytogenetic location: 2q31.2.
Variant type: single nucleotide variant.
Coding change: c.*31G>A on transcript NM_003690.5 (MANE Select); 31 bases downstream of the stop codon, G replaced by A.
Molecular consequence: 3 prime UTR variant.
Genome position (GRCh38, 1-based): chr2:178,432,066, C>T on the plus strand (G>A on the coding strand, the complement: PRKRA is on the minus strand). VCF-style: chr2-178432066-C-T. GRCh37 (hg19) VCF-style: chr2-179296793-C-T.
Other names: c.*31G>A (NM_001139517.2, NM_001139518.2, NM_001316362.2).
Identifiers: ClinVar variation 894434 (VCV000894434.4), dbSNP rs372585947, ClinGen allele CA1983684.
Genomic context (GRCh38, chr2:178,432,066, plus strand): 5'-ACATAAACACTACGGTAAAAGTTTTACTTGGGAAGGGGCCAGAGGGGAACTTTTTATGTG[C>T]TACTGAAAGATTTTTTAAGTTGCTCCAGATTTACTTTCTTTCTGCTATTATCTTTAAATA-3'

ClinVar aggregate classification (germline): Likely benign (1 of 4 stars; one submission).

Conditions:
Dystonia 16 (DYT16). Also called: DYT-PRKRA. Identifiers: Orphanet 210571, MedGen C2677567, MONDO:0012789, OMIM 612067.

Allele frequency attached by ClinVar (database versions not stated): ExAC 0.00062; ESP Exome Variant Server 0.00208; 1000 Genomes Project 0.00240; gnomAD exomes 0.00017 and 0.00047; TOPMed 0.00218; gnomAD 0.00200 and 0.00216; 1000 Genomes Project 30x 0.00328.

Submission:

Illumina Laboratory Services, Illumina
Classification: Likely benign for Dystonia 16. Last evaluated: 2018-01-13. Review status: criteria provided, single submitter. Criteria: ICSL Variant Classification Criteria 13 December 2019. Collection method: clinical testing. Allele origin: germline.
Comment: This variant was observed in the ICSL laboratory as part of a predisposition screen in an ostensibly healthy population. It had not been previously curated by ICSL or reported in the Human Gene Mutation Database (HGMD: prior to June 1st, 2018), and was therefore a candidate for classification through an automated scoring system. Utilizing variant allele frequency, disease prevalence and penetrance estimates, and inheritance mode, an automated score was calculated to assess if this variant is too frequent to cause the disease. Based on the score and internal cut-off values, a variant classified as likely benign is not then subjected to further curation. The score for this variant resulted in a classification of likely benign for this disease.